The following is an entry in ClinVar:

NM_003619.4(PRSS12):c.1490-7G>A

Gene: PRSS12 (serine protease 12; minus strand). Cytogenetic location: 4q26.
Variant type: single nucleotide variant.
Coding change: c.1490-7G>A on transcript NM_003619.4 (MANE Select); 7 bases into the intron before coding-DNA position 1490, G replaced by A.
Molecular consequence: intron variant.
Genome position (GRCh38, 1-based): chr4:118,308,584, C>T on the plus strand (G>A on the coding strand, the complement: PRSS12 is on the minus strand). VCF-style: chr4-118308584-C-T. GRCh37 (hg19) VCF-style: chr4-119229739-C-T.
Identifiers: ClinVar variation 211957 (VCV000211957.34), dbSNP rs183541303, ClinGen allele CA209994.

ClinVar aggregate classification (germline): Benign/Likely benign. Review status: criteria provided, multiple submitters, no conflicts (2 of 4 stars). 3 submissions from 3 submitters: Benign (1); Likely benign (2). Last evaluated 2022-10-01.

Allele frequency attached by ClinVar (database versions not stated): gnomAD exomes 0.00030 and 0.00061; ExAC 0.00070; gnomAD 0.00235 and 0.00250; TOPMed 0.00275; ESP Exome Variant Server 0.00277; 1000 Genomes Project 0.00319; 1000 Genomes Project 30x 0.00344.
gnomAD v4.1: 783 of 1,567,858 alleles (0.05%); highest among the groups gnomAD compares: African/African-American, 0.9%; 6 homozygotes.

Submissions (3):

CeGaT Center for Human Genetics Tuebingen
Classification: Likely benign. Last evaluated: 2022-10-01. Review status: criteria provided, single submitter. Criteria: CeGaT Center For Human Genetics Tuebingen Variant Classification Criteria Version 2. Collection method: clinical testing. Allele origin: germline. Affected: yes. Observed: 2 variant alleles.
Comment: PRSS12: BP4, BS2

Labcorp Genetics (formerly Invitae), Labcorp
Classification: Benign. Last evaluated: 2019-12-31. Review status: criteria provided, single submitter. Criteria: Invitae Variant Classification Sherloc (09022015). Collection method: clinical testing. Allele origin: germline.

Genetic Services Laboratory, University of Chicago
Classification: Likely benign. Last evaluated: 2015-08-05. Review status: criteria provided, single submitter. Criteria: ACMG Guidelines, 2015. Collection method: clinical testing. Allele origin: germline.